The following is an entry in ClinVar:

NM_000039.3(APOA1):c.-11G>A

Genes: APOA1-AS (APOA1 antisense RNA; plus strand), APOA1 (apolipoprotein A1; minus strand). Cytogenetic location: 11q23.3.
Variant type: single nucleotide variant.
Coding change: c.-11G>A on transcript NM_000039.3 (MANE Select); 11 bases upstream of the start codon, G replaced by A.
Molecular consequence: 5 prime UTR variant.
Genome position (GRCh38, 1-based): chr11:116,837,398, C>T on the plus strand (G>A on the coding strand, the complement: APOA1 is on the minus strand). VCF-style: chr11-116837398-C-T. GRCh37 (hg19) VCF-style: chr11-116708114-C-T.
Other names: c.-11G>A (NM_001318017.2, NM_001318018.2); c.-294G>A (NM_001318021.2).
Identifiers: ClinVar variation 302512 (VCV000302512.5), dbSNP rs199729971, ClinGen allele CA6289933.
Genomic context (GRCh38, chr11:116,837,398, plus strand): 5'-CACCTACCCGTCAGGAAGAGCACGGCCAAGGTCAGCACCGCAGCTTTCATCCTGAAGGGC[C>T]GTGGGGGACCTGGAGGAGAAGAAGGGCCTGGCTGAGTGGGGTGCCTTCAGCATGCAGAAG-3'

ClinVar aggregate classification (germline): Likely benign. Review status: criteria provided, single submitter (1 of 4 stars). 2 submissions from 1 submitter: Likely benign (2). Last evaluated 2017-04-27.

Conditions:
Familial visceral amyloidosis, Ostertag type (AMYLD2). Also called: AMYLOIDOSIS VIII; Ostertag type amyloidosis; Familial visceral amyloidosis; Amyloidosis, hepatic and systemic; AMYLOIDOSIS, HEREDITARY SYSTEMIC 2; Hereditary Renal Amyloidosis. Identifiers: Orphanet 85450, MedGen C0268389, MONDO:0007099, OMIM 105200.
Hypoalphalipoproteinemia, primary, 1. Identifiers: Orphanet 425, MedGen C5231558, MONDO:0011393, OMIM 604091.

Allele frequency attached by ClinVar (database versions not stated): gnomAD exomes 0.00004; gnomAD 0.00005 and 0.00007; TOPMed 0.00007; ExAC 0.00009; 1000 Genomes Project 30x 0.00016; 1000 Genomes Project 0.00020.
gnomAD v4.1: 128 of 1,556,338 alleles (0.0082%); highest among the groups gnomAD compares: Non-Finnish European, 0.01%; no homozygotes.

Submissions (2):

Illumina Laboratory Services, Illumina
Classification: Likely benign for Familial visceral amyloidosis, Ostertag type. Last evaluated: 2017-04-27. Review status: criteria provided, single submitter. Criteria: ICSL Variant Classification Criteria 13 December 2019. Collection method: clinical testing. Allele origin: germline.
Comment: This variant was observed as part of a predisposition screen in an ostensibly healthy population. A literature search was performed for the gene, cDNA change, and amino acid change (where applicable). No publications were found based on this search. Allele frequency data from public databases allowed determination this variant is unlikely to cause disease. Therefore, this variant is classified as likely benign.

Illumina Laboratory Services, Illumina
Classification: Likely benign for Hypoalphalipoproteinemia, primary, 1. Last evaluated: 2017-04-27. Review status: criteria provided, single submitter. Criteria: ICSL Variant Classification Criteria 13 December 2019. Collection method: clinical testing. Allele origin: germline.
Comment: the same text as in the submission from Illumina Laboratory Services, Illumina above.